The following is an entry in ClinVar:

NM_004982.4(KCNJ8):c.1046C>T (p.Ala349Val)

Genes: KCNJ8 (potassium inwardly rectifying channel subfamily J member 8; minus strand), KCNJ8-AS1 (KCNJ8 antisense RNA 1; plus strand). Cytogenetic location: 12p12.1.
Variant type: single nucleotide variant.
Coding change: c.1046C>T on transcript NM_004982.4 (MANE Select); coding-DNA position 1046, C replaced by T.
Protein change: p.Ala349Val; replaces alanine 349 with valine.
Molecular consequence: missense variant.
Genome position (GRCh38, 1-based): chr12:21,765,952, G>A on the plus strand (C>T on the coding strand, the complement: KCNJ8 is on the minus strand). VCF-style: chr12-21765952-G-A. GRCh37 (hg19) VCF-style: chr12-21918886-G-A.
Other names: short protein forms A349V.
Identifiers: ClinVar variation 4041686 (VCV004041686.2).

ClinVar aggregate classification (germline): Uncertain significance (1 of 4 stars; one submission).

Conditions:
Cardiovascular phenotype. Identifiers: MedGen CN230736.

gnomAD v4.1: 10 of 1,614,202 alleles (0.00062%); highest among the groups gnomAD compares: Admixed American, 0.0017%; no homozygotes.

Submission:

Ambry Genetics
Classification: Uncertain significance for Cardiovascular phenotype. Last evaluated: 2026-05-14. Review status: criteria provided, single submitter. Criteria: Ambry Variant Classification Scheme 2023. Collection method: clinical testing. Allele origin: germline.
Comment: The p.A349V variant (also known as c.1046C>T), located in coding exon 2 of the KCNJ8 gene, results from a C to T substitution at nucleotide position 1046. The alanine at codon 349 is replaced by valine, an amino acid with similar properties. This amino acid position is conserved. In addition, the in silico prediction for this alteration is inconclusive. Based on the available evidence, the clinical significance of this variant remains unclear.